The following is an entry in ClinVar:

ClinVar aggregate classification (germline): Uncertain significance. Review status: criteria provided, multiple submitters, no conflicts (2 of 4 stars). 2 submissions from 2 submitters: Uncertain significance (2). Last evaluated 2026-05-14.

Conditions:
Primary dilated cardiomyopathy (DCM). Also called: Dilated Cardiomyopathy. Identifiers: Orphanet 217604, MedGen C0007193, MeSH D002311, MONDO:0005021, HP:0001644. Inheritance: Various modes of inheritance.

Submissions (2):

Ambry Genetics
Classification: Uncertain significance. Last evaluated: 2026-05-14. Review status: criteria provided, single submitter. Criteria: Ambry Variant Classification Scheme 2023. Collection method: clinical testing. Allele origin: germline.
Comment: The p.M868K variant (also known as c.2603T>A), located in coding exon 25 of the NEBL gene, results from a T to A substitution at nucleotide position 2603. The methionine at codon 868 is replaced by lysine, an amino acid with similar properties. This amino acid position is conserved. In addition, this alteration is predicted to be tolerated by in silico analysis. Based on the available evidence, the clinical significance of this variant remains unclear.

Labcorp Genetics (formerly Invitae), Labcorp
Classification: Uncertain significance for Primary dilated cardiomyopathy. Last evaluated: 2025-10-02. Review status: criteria provided, single submitter. Criteria: Invitae Variant Classification Sherloc (09022015). Collection method: clinical testing. Allele origin: germline.
Comment: This sequence change replaces methionine, which is neutral and non-polar, with lysine, which is basic and polar, at codon 868 of the NEBL protein (p.Met868Lys). This variant is not present in population databases (gnomAD no frequency). This variant has not been reported in the literature in individuals affected with NEBL-related conditions. An algorithm developed to predict the effect of missense changes on protein structure and function (PolyPhen-2) suggests that this variant is likely to be disruptive. In summary, the available evidence is currently insufficient to determine the role of this variant in disease. Therefore, it has been classified as a Variant of Uncertain Significance.

NM_006393.3(NEBL):c.2603T>A (p.Met868Lys)

Gene: NEBL (nebulette; minus strand). Cytogenetic location: 10p12.31.
Variant type: single nucleotide variant.
Coding change: c.2603T>A on transcript NM_006393.3 (MANE Select); coding-DNA position 2603, T replaced by A.
Protein change: p.Met868Lys; replaces methionine 868 with lysine.
Molecular consequence: missense variant. On other transcripts: intron variant (8).
Genome position (GRCh38, 1-based): chr10:20,809,814, A>T on the plus strand (T>A on the coding strand, the complement: NEBL is on the minus strand). VCF-style: chr10-20809814-A-T. GRCh37 (hg19) VCF-style: chr10-21098743-A-T.
Other names: c.529+2955T>A (NM_001173484.2, NM_213569.2); c.472+2955T>A (NM_001377324.1); c.463+2955T>A (NM_001377325.1); c.481+2955T>A (NM_001377323.1); c.614T>A, p.Met205Lys (NM_001377322.1); c.421+2955T>A (NM_001377326.1, NM_001377327.1, NM_001377328.1); short protein forms M205K, M868K.
Identifiers: ClinVar variation 4706964 (VCV004706964.2).